The following is an entry in ClinVar:

ClinVar aggregate classification (germline): Benign. Review status: criteria provided, multiple submitters, no conflicts (2 of 4 stars). 3 submissions from 3 submitters: Benign (3). Last evaluated 2024-07-15.

Conditions:
Focal segmental glomerulosclerosis 5 (FSGS5). Identifiers: Orphanet 656, MedGen C2750475, MONDO:0013191, OMIM 613237.

Allele frequency attached by ClinVar (database versions not stated): 1000 Genomes Project 30x 0.09510; 1000 Genomes Project 0.09605; TOPMed 0.15341; gnomAD 0.15838 and 0.16086; gnomAD exomes 0.16463.

Submissions (3):

Unidad de Genómica Garrahan, Hospital de Pediatría Garrahan
Classification: Benign. Last evaluated: 2024-07-15. Review status: criteria provided, single submitter. Criteria: ACMG Guidelines, 2015. Collection method: clinical testing. Allele origin: germline. Affected: no. Observed: 24 variant alleles.
Comment: This variant is classified as Benign based on local population frequency. This variant was detected in 26% of patients studied in a panel designed for Epileptic and Developmental Encephalopathy and Progressive Myoclonus Epilepsy. Number of patients: 24. Only high quality variants are reported.

Illumina Laboratory Services, Illumina
Classification: Benign for Focal segmental glomerulosclerosis 5. Last evaluated: 2017-04-27. Review status: criteria provided, single submitter. Criteria: ICSL Variant Classification Criteria 13 December 2019. Collection method: clinical testing. Allele origin: germline.
Comment: This variant was observed as part of a predisposition screen in an ostensibly healthy population. A literature search was performed for the gene, cDNA change, and amino acid change (where applicable). No publications were found based on this search. Allele frequency data from public databases was too high to be consistent with this variant causing disease. Therefore, this variant is classified as benign.

Breakthrough Genomics
Classification: Benign. Review status: criteria provided, single submitter. Criteria: ACMG Guidelines, 2015. Collection method: not provided. Allele origin: germline. Inheritance: Autosomal dominant inheritance. Affected: yes.

NM_022489.4(INF2):c.*437G>A

Gene: INF2 (inverted formin 2; plus strand). Cytogenetic location: 14q32.33.
Variant type: single nucleotide variant.
Coding change: c.*437G>A on transcript NM_022489.4 (MANE Select); 437 bases downstream of the stop codon, G replaced by A.
Molecular consequence: 3 prime UTR variant.
Genome position (GRCh38, 1-based): chr14:104,719,230, G>A. VCF-style: chr14-104719230-G-A. GRCh37 (hg19) VCF-style: chr14-105185567-G-A.
Other names: c.*407G>A (NM_001031714.4).
Identifiers: ClinVar variation 312720 (VCV000312720.8), dbSNP rs1128866, ClinGen allele CA10634665.